The following is an entry in ClinVar:

ClinVar aggregate classification (germline): Benign (0 of 4 stars; one submission).

Conditions:
PADI3-related disorder. Also called: PADI3-related condition.

Allele frequency attached by ClinVar (database versions not stated): ESP Exome Variant Server 0.06336; gnomAD 0.07168; TOPMed 0.07210; gnomAD exomes 0.08438; ExAC 0.09537; 1000 Genomes Project 30x 0.11196; 1000 Genomes Project 0.11601.

Submission:

PreventionGenetics, part of Exact Sciences
Classification: Benign for PADI3-related condition. Last evaluated: 2019-03-15. Review status: no assertion criteria provided. Collection method: clinical testing. Allele origin: germline.
Comment: This variant is classified as benign based on ACMG/AMP sequence variant interpretation guidelines (Richards et al. 2015 PMID: 25741868, with internal and published modifications).

NM_016233.2(PADI3):c.13A>C (p.Arg5=)

Gene: PADI3 (peptidyl arginine deiminase 3; plus strand). Cytogenetic location: 1p36.13.
Variant type: single nucleotide variant.
Coding change: c.13A>C on transcript NM_016233.2 (MANE Select); coding-DNA position 13, A replaced by C.
Protein change: p.Arg5=; no amino-acid change (arginine 5 retained).
Molecular consequence: synonymous variant.
Genome position (GRCh38, 1-based): chr1:17,249,150, A>C. VCF-style: chr1-17249150-A-C. GRCh37 (hg19) VCF-style: chr1-17575645-A-C.
Identifiers: ClinVar variation 3060112 (VCV003060112.2), dbSNP rs3763589, ClinGen allele CA639530.